The following is an entry in ClinVar:

ClinVar aggregate classification (germline): Uncertain significance (1 of 4 stars; one submission).

Conditions:
Hereditary cancer-predisposing syndrome. Also called: Neoplastic Syndromes, Hereditary; Tumor predisposition; Hereditary Cancer Syndrome; Hereditary neoplastic syndrome. Identifiers: Orphanet 140162, MedGen C0027672, MeSH D009386, MONDO:0015356.

Submission:

Ambry Genetics
Classification: Uncertain significance for Hereditary cancer-predisposing syndrome. Last evaluated: 2020-09-01. Review status: criteria provided, single submitter. Criteria: Ambry Variant Classification Scheme 2023. Collection method: clinical testing. Allele origin: germline.
Comment: The p.G682R variant (also known as c.2044G>A), located in coding exon 15 of the APC gene, results from a G to A substitution at nucleotide position 2044. The glycine at codon 682 is replaced by arginine, an amino acid with dissimilar properties. This amino acid position is highly conserved in available vertebrate species. In addition, in silico predictors for this gene do not accurately predict pathogenicity. Since supporting evidence is limited at this time, the clinical significance of this alteration remains unclear.

NM_000038.6(APC):c.2044G>A (p.Gly682Arg)

Gene: APC (APC regulator of Wnt signaling pathway; plus strand). Cytogenetic location: 5q22.2.
Variant type: single nucleotide variant.
Coding change: c.2044G>A on transcript NM_000038.6 (MANE Select); coding-DNA position 2044, G replaced by A.
Protein change: p.Gly682Arg; replaces glycine 682 with arginine.
Molecular consequence: missense variant.
Genome position (GRCh38, 1-based): chr5:112,837,638, G>A. VCF-style: chr5-112837638-G-A. GRCh37 (hg19) VCF-style: chr5-112173335-G-A.
Other names: c.2044G>A, p.Gly682Arg (NM_001407450.1, NM_001354895.2, NM_001127510.3); c.2023G>A, p.Gly675Arg (NM_001407451.1); c.2014G>A, p.Gly672Arg (NM_001407452.1); c.1795G>A, p.Gly599Arg (NM_001407454.1, NM_001407455.1, NM_001407456.1 and 1 more transcripts); c.1867G>A, p.Gly623Arg (NM_001407453.1, NM_001354901.2); c.1990G>A, p.Gly664Arg (NM_001127511.3); c.2098G>A, p.Gly700Arg (NM_001354896.2, NM_001407447.1, NM_001407448.1 and 1 more transcripts); c.2074G>A, p.Gly692Arg (NM_001354897.2); and 11 more; short protein forms G298R, G599R, G623R, G657R, G672R, G682R, G692R, G399R.
Identifiers: ClinVar variation 1784947 (VCV001784947.2), dbSNP rs2533393010, ClinGen allele CA16025790.